The following is an entry in ClinVar:

ClinVar aggregate classification (germline): Uncertain significance (1 of 4 stars; one submission).

gnomAD v4.1: 37 of 1,613,792 alleles (0.0023%); highest among the groups gnomAD compares: Non-Finnish European, 0.003%; no homozygotes.

Submission:

Labcorp Genetics (formerly Invitae), Labcorp
Classification: Uncertain significance. Last evaluated: 2022-09-19. Review status: criteria provided, single submitter. Criteria: Invitae Variant Classification Sherloc (09022015). Collection method: clinical testing. Allele origin: germline.
Comment: This variant has not been reported in the literature in individuals affected with RBBP8-related conditions. In summary, the available evidence is currently insufficient to determine the role of this variant in disease. Therefore, it has been classified as a Variant of Uncertain Significance. Advanced modeling of protein sequence and biophysical properties (such as structural, functional, and spatial information, amino acid conservation, physicochemical variation, residue mobility, and thermodynamic stability) performed at Invitae indicates that this missense variant is not expected to disrupt RBBP8 protein function. ClinVar contains an entry for this variant (Variation ID: 1387131). This variant is present in population databases (no rsID available, gnomAD 0.0009%). This sequence change replaces glutamine, which is neutral and polar, with arginine, which is basic and polar, at codon 149 of the RBBP8 protein (p.Gln149Arg).

NM_002894.3(RBBP8):c.446A>G (p.Gln149Arg)

Gene: RBBP8 (RB binding protein 8, endonuclease; plus strand). Cytogenetic location: 18q11.2.
Variant type: single nucleotide variant.
Coding change: c.446A>G on transcript NM_002894.3 (MANE Select); coding-DNA position 446, A replaced by G.
Protein change: p.Gln149Arg; replaces glutamine 149 with arginine.
Molecular consequence: missense variant.
Genome position (GRCh38, 1-based): chr18:22,982,235, A>G. VCF-style: chr18-22982235-A-G. GRCh37 (hg19) VCF-style: chr18-20562198-A-G.
Other names: c.446A>G, p.Gln149Arg (NM_203291.2, NM_203292.2); short protein forms Q149R.
Identifiers: ClinVar variation 1387131 (VCV001387131.8), dbSNP rs368670826, ClinGen allele CA401773480.